The following is an entry in ClinVar:

NM_000523.4(HOXD13):c.394G>C (p.Gly132Arg)

Gene: HOXD13 (homeobox D13; plus strand). Cytogenetic location: 2q31.1.
Variant type: single nucleotide variant.
Coding change: c.394G>C on transcript NM_000523.4 (MANE Select); coding-DNA position 394, G replaced by C.
Protein change: p.Gly132Arg; replaces glycine 132 with arginine.
Molecular consequence: missense variant.
Genome position (GRCh38, 1-based): chr2:176,093,284, G>C. VCF-style: chr2-176093284-G-C. GRCh37 (hg19) VCF-style: chr2-176958012-G-C.
Other names: short protein forms G132R.
Identifiers: ClinVar variation 3702268 (VCV003702268.2).

ClinVar aggregate classification (germline): Uncertain significance (1 of 4 stars; one submission).

Submission:

Labcorp Genetics (formerly Invitae), Labcorp
Classification: Uncertain significance. Last evaluated: 2024-02-24. Review status: criteria provided, single submitter. Criteria: Invitae Variant Classification Sherloc (09022015). Collection method: clinical testing. Allele origin: germline.
Comment: This sequence change replaces glycine, which is neutral and non-polar, with arginine, which is basic and polar, at codon 132 of the HOXD13 protein (p.Gly132Arg). This variant is not present in population databases (gnomAD no frequency). This variant has not been reported in the literature in individuals affected with HOXD13-related conditions. Advanced modeling of protein sequence and biophysical properties (such as structural, functional, and spatial information, amino acid conservation, physicochemical variation, residue mobility, and thermodynamic stability) performed at Invitae indicates that this missense variant is not expected to disrupt HOXD13 protein function with a negative predictive value of 80%. In summary, the available evidence is currently insufficient to determine the role of this variant in disease. Therefore, it has been classified as a Variant of Uncertain Significance.